The following is an entry in ClinVar:

NM_007294.4(BRCA1):c.4097-18_4097-17del

Gene: BRCA1 (BRCA1 DNA repair associated; minus strand). Cytogenetic location: 17q21.31.
Variant type: Microsatellite.
Coding change: c.4097-18_4097-17del on transcript NM_007294.4 (MANE Select); 18 bases into the intron before coding-DNA position 4097 through 17 bases into the intron before coding-DNA position 4097, 2 bases deleted (CT; older notation c.4097-18_4097-17delCT).
Molecular consequence: intron variant.
Genome position (GRCh38, 1-based): chr17:43,091,049-43,091,050, AG deleted on the plus strand (CT on the coding strand, the reverse complement: BRCA1 is on the minus strand); deleting any 2 consecutive bases within chr17:43,091,049-43,091,052 gives the same sequence; the c. name uses the placement nearest the transcript's 3' end. VCF-style (leftmost placement, unchanged base first): chr17-43091048-CAG-C. GRCh37 (hg19) VCF-style: chr17-41243065-CAG-C.
Other names: c.4097-18_4097-17del (NM_001407854.1, NM_001407598.1, NM_001407642.1 and 30 more transcripts); c.3953-18_3953-17del (NM_001407749.1, NM_001407846.1, NM_001407842.1 and 20 more transcripts); c.524-18_524-17del (NM_001408501.1, NM_001408498.1, NM_001408500.1 and 3 more transcripts); c.647-18_647-17del (NM_001408455.1, NM_001408410.1, NM_001408458.1 and 11 more transcripts); c.3956-18_3956-17del (NM_001407731.1, NM_001407695.1, NM_001407726.1 and 29 more transcripts); c.3887-18_3887-17del (NM_001407889.1, NM_001407885.1, NM_001407886.1 and 13 more transcripts); c.644-18_644-17del (NM_001408468.1, NM_001408470.1, NM_001408464.1 and 3 more transcripts); c.578-18_578-17del (NM_001408492.1, NM_001408483.1, NM_001408481.1 and 9 more transcripts); and 42 more.
Identifiers: ClinVar variation 420218 (VCV000420218.11), dbSNP rs1064794355, ClinGen allele CA16620427.

ClinVar aggregate classification (germline): Likely benign. Review status: criteria provided, multiple submitters, no conflicts (2 of 4 stars). 2 submissions from 2 submitters: Likely benign (2). Last evaluated 2025-10-19.

Conditions:
Hereditary breast ovarian cancer syndrome. Also called: Hereditary breast and ovarian cancer; Hereditary breast and/or ovarian cancer syndrome; Hereditary breast and ovarian cancer syndrome; Hereditary breast and ovarian cancer syndrome (HBOC); Breast and ovarian cancer; BRCA1- and BRCA2-Associated Hereditary Breast and Ovarian Cancer. Identifiers: Orphanet 145, MedGen C0677776, MeSH D061325, MONDO:0003582. Disease mechanism: loss of function.

Submissions (2):

Labcorp Genetics (formerly Invitae), Labcorp
Classification: Likely benign for Hereditary breast ovarian cancer syndrome. Last evaluated: 2025-10-19. Review status: criteria provided, single submitter. Criteria: Invitae Variant Classification Sherloc (09022015). Collection method: clinical testing. Allele origin: germline.

GeneDx
Classification: Likely benign. Last evaluated: 2015-11-22. Review status: criteria provided, single submitter. Criteria: GeneDx Variant Classification (06012015). Collection method: clinical testing. Allele origin: germline. Affected: yes.
Comment: This variant is considered likely benign or benign based on one or more of the following criteria: it is a conservative change, it occurs at a poorly conserved position in the protein, it is predicted to be benign by multiple in silico algorithms, and/or has population frequency not consistent with disease.